The following is an entry in ClinVar:

ClinVar aggregate classification (germline): Uncertain significance. Review status: criteria provided, multiple submitters, no conflicts (2 of 4 stars). 4 submissions from 4 submitters: Uncertain significance (4). Last evaluated 2025-12-11.

Conditions:
Epidermolysis bullosa simplex, Ogna type (EBS5A). Also called: Pidermolysis bullosa simplex 5A, Ogna type; EPIDERMOLYSIS BULLOSA SIMPLEX 5A, OGNA TYPE. Identifiers: Orphanet 79401, MedGen C0432317, MONDO:0007555, OMIM 131950.
Epidermolysis bullosa simplex 5C, with pyloric atresia (EBS5C). Also called: PLEC1-Related Epidermolysis Bullosa with Pyloric Atresia; PLEC-Related Epidermolysis Bullosa with Pyloric Atresia; Epidermolysis bullosa simplex with pyloric atresia. Identifiers: Orphanet 158684, MedGen C2677349, MONDO:0012807, OMIM 612138.
Epidermolysis bullosa simplex with nail dystrophy (EBS5D). Identifiers: MedGen C4225309, MONDO:0014661, OMIM 616487.
Epidermolysis bullosa simplex 5B, with muscular dystrophy (EBS5B). Also called: Epidermolysis bullosa simplex with muscular dystrophy; EPIDERMOLYSIS BULLOSA SIMPLEX AND LIMB-GIRDLE MUSCULAR DYSTROPHY. Identifiers: Orphanet 257, MedGen C2931072, MONDO:0009181, OMIM 226670.
Autosomal recessive limb-girdle muscular dystrophy type 2Q (LGMDR17). Also called: MUSCULAR DYSTROPHY, LIMB-GIRDLE, AUTOSOMAL RECESSIVE 17. Identifiers: Orphanet 254361, MedGen C3150989, MONDO:0013390, OMIM 613723.
Inborn genetic diseases. Identifiers: MedGen C0950123, MeSH D030342.

Allele frequency attached by ClinVar (database versions not stated): ExAC 0.00001; gnomAD 0.00001; gnomAD exomes 0.00002.
gnomAD v4.1: 29 of 1,612,630 alleles (0.0018%); highest among the groups gnomAD compares: Admixed American, 0.0033%; no homozygotes.

Submissions (4):

Ambry Genetics
Classification: Uncertain significance for Inborn genetic diseases. Last evaluated: 2025-12-11. Review status: criteria provided, single submitter. Criteria: Ambry Variant Classification Scheme 2023. Collection method: clinical testing. Allele origin: germline.

Labcorp Genetics (formerly Invitae), Labcorp
Classification: Uncertain significance for Autosomal recessive limb-girdle muscular dystrophy type 2Q; Epidermolysis bullosa simplex, Ogna type; Epidermolysis bullosa simplex with nail dystrophy; Epidermolysis bullosa simplex 5C, with pyloric atresia; Epidermolysis bullosa simplex 5B, with muscular dystrophy. Last evaluated: 2025-11-28. Review status: criteria provided, single submitter. Criteria: Invitae Variant Classification Sherloc (09022015). Collection method: clinical testing. Allele origin: germline.
Comment: This sequence change replaces glutamine, which is neutral and polar, with histidine, which is basic and polar, at codon 296 of the PLEC protein (p.Gln296His). This variant is present in population databases (rs782272825, gnomAD 0.006%). This variant has not been reported in the literature in individuals affected with PLEC-related conditions. ClinVar contains an entry for this variant (Variation ID: 1519479). Invitae Evidence Modeling of protein sequence and biophysical properties (such as structural, functional, and spatial information, amino acid conservation, physicochemical variation, residue mobility, and thermodynamic stability) indicates that this missense variant is not expected to disrupt PLEC protein function with a negative predictive value of 80%. In summary, the available evidence is currently insufficient to determine the role of this variant in disease. Therefore, it has been classified as a Variant of Uncertain Significance.

Blueprint Genetics
Classification: Uncertain significance. Last evaluated: 2024-07-17. Review status: criteria provided, single submitter. Criteria: ACMG Guidelines, 2015. Collection method: clinical testing. Allele origin: germline.

Revvity Omics, Revvity
Classification: Uncertain significance. Last evaluated: 2020-12-21. Review status: criteria provided, single submitter. Criteria: ACMG Guidelines, 2015. Collection method: clinical testing. Allele origin: germline.

NM_201384.3(PLEC):c.807G>C (p.Gln269His)

Gene: PLEC (plectin; minus strand). Cytogenetic location: 8q24.3.
Variant type: single nucleotide variant.
Coding change: c.807G>C on transcript NM_201384.3 (MANE Select); coding-DNA position 807, G replaced by C.
Protein change: p.Gln269His; replaces glutamine 269 with histidine.
Molecular consequence: missense variant.
Genome position (GRCh38, 1-based): chr8:143,935,029, C>G on the plus strand (G>C on the coding strand, the complement: PLEC is on the minus strand). VCF-style: chr8-143935029-C-G. GRCh37 (hg19) VCF-style: chr8-145009197-C-G.
Other names: c.888G>C, p.Gln296His (NM_000445.5); c.765G>C, p.Gln255His (NM_201378.4); c.741G>C, p.Gln247His (NM_201379.3); c.1218G>C, p.Gln406His (NM_201380.4); c.711G>C, p.Gln237His (NM_201381.3); c.807G>C, p.Gln269His (NM_201382.4); c.819G>C, p.Gln273His (NM_201383.3); c.888G>C (NM_000445.3); short protein forms Q406H, Q255H, Q273H, Q237H, Q247H, Q269H, Q296H.
Identifiers: ClinVar variation 1519479 (VCV001519479.11), dbSNP rs782272825, ClinGen allele CA4928311.